The following is an entry in ClinVar:

ClinVar aggregate classification (germline): Uncertain significance (1 of 4 stars; one submission).

Conditions:
Bardet-Biedl syndrome (BBS). Identifiers: Orphanet 110, MedGen C0752166, MONDO:0015229.

Allele frequency attached by ClinVar (database versions not stated): TOPMed 0.00001; ExAC 0.00001; gnomAD exomes 0.00001.
gnomAD v4.1: 7 of 1,605,578 alleles (0.00044%); highest among the groups gnomAD compares: Middle Eastern, 0.017%; no homozygotes.

Submission:

Labcorp Genetics (formerly Invitae), Labcorp
Classification: Uncertain significance for Bardet-Biedl syndrome. Last evaluated: 2022-01-13. Review status: criteria provided, single submitter. Criteria: Invitae Variant Classification Sherloc (09022015). Collection method: clinical testing. Allele origin: germline.
Comment: This sequence change replaces threonine, which is neutral and polar, with isoleucine, which is neutral and non-polar, at codon 481 of the BBS1 protein (p.Thr481Ile). This variant is present in population databases (rs757132669, gnomAD 0.01%). This variant has not been reported in the literature in individuals affected with BBS1-related conditions. Algorithms developed to predict the effect of missense changes on protein structure and function (SIFT, PolyPhen-2, Align-GVGD) all suggest that this variant is likely to be tolerated. In summary, the available evidence is currently insufficient to determine the role of this variant in disease. Therefore, it has been classified as a Variant of Uncertain Significance.

NM_024649.5(BBS1):c.1442C>T (p.Thr481Ile)

Genes: BBS1 (Bardet-Biedl syndrome 1; plus strand), ZDHHC24 (zDHHC palmitoyltransferase 24; minus strand). Cytogenetic location: 11q13.2.
Variant type: single nucleotide variant.
Coding change: c.1442C>T on transcript NM_024649.5 (MANE Select); coding-DNA position 1442, C replaced by T.
Protein change: p.Thr481Ile; replaces threonine 481 with isoleucine.
Molecular consequence: missense variant. On other transcripts: intron variant (1).
Genome position (GRCh38, 1-based): chr11:66,529,921, C>T. VCF-style: chr11-66529921-C-T. GRCh37 (hg19) VCF-style: chr11-66297392-C-T.
Other names: c.560-433G>A (NM_001348571.2); short protein forms T481I.
Identifiers: ClinVar variation 1402631 (VCV001402631.6), dbSNP rs757132669, ClinGen allele CA6123768.
Genomic context (GRCh38, chr11:66,529,921, plus strand): 5'-TACGTGCTGCCCGCGCCTACCTGCAGGCCCTCGAGTCCAGCCTGAGCCCCCTGTCCACGA[C>T]AGCCCGAGAGCCACTCAAGCTGCACGCCGTGGTGAGCATCTGGGTGAGGGCAGAGTCAGG-3'
Protein context (NP_078925.3, residues 471-491): LESSLSPLST[Thr481Ile]AREPLKLHAV